The following is an entry in ClinVar:

NM_152617.4(RNF168):c.1536_1537del (p.Gly513fs)

Gene: RNF168 (ring finger protein 168; minus strand). Cytogenetic location: 3q29.
Variant type: Microsatellite.
Coding change: c.1536_1537del on transcript NM_152617.4 (MANE Select); coding-DNA positions 1536 to 1537, 2 bases deleted (AG; older notation c.1536_1537delAG).
Protein change: p.Gly513fs; shifts the reading frame from glycine 513.
Molecular consequence: frameshift variant.
Genome position (GRCh38, 1-based): chr3:196,471,998-196,471,999, CT deleted on the plus strand (AG on the coding strand, the reverse complement: RNF168 is on the minus strand); deleting any 2 consecutive bases within chr3:196,471,998-196,472,005 gives the same sequence; the c. name uses the placement nearest the transcript's 3' end. VCF-style (leftmost placement, unchanged base first): chr3-196471997-CCT-C. GRCh37 (hg19) VCF-style: chr3-196198868-CCT-C.
Other names: c.1530_1531AG[3], p.Gly513Leufs (NM_152617.3); c.1536_1537delAG (NM_152617.3); short protein forms G513fs.
Identifiers: ClinVar variation 2174177 (VCV002174177.4), dbSNP rs754794763, ClinGen allele CA2780636.

ClinVar aggregate classification (germline): Uncertain significance. Review status: criteria provided, multiple submitters, no conflicts (2 of 4 stars). 2 submissions from 2 submitters: Uncertain significance (2). Last evaluated 2022-10-13.

Conditions:
Inborn genetic diseases. Identifiers: MedGen C0950123, MeSH D030342.

Submissions (2):

Ambry Genetics
Classification: Uncertain significance for Inborn genetic diseases. Last evaluated: 2022-10-13. Review status: criteria provided, single submitter. Criteria: Ambry Variant Classification Scheme 2023. Collection method: clinical testing. Allele origin: germline.
Comment: Not expected to trigger nonsense-mediated mRNA decay Based on insufficient or conflicting evidence, the clinical significance of this alteration remains unclear.

Labcorp Genetics (formerly Invitae), Labcorp
Classification: Uncertain significance. Last evaluated: 2022-04-20. Review status: criteria provided, single submitter. Criteria: Invitae Variant Classification Sherloc (09022015). Collection method: clinical testing. Allele origin: germline.
Comment: In summary, the available evidence is currently insufficient to determine the role of this variant in disease. Therefore, it has been classified as a Variant of Uncertain Significance. Experimental studies and prediction algorithms are not available or were not evaluated, and the functional significance of this variant is currently unknown. This variant has not been reported in the literature in individuals affected with RNF168-related conditions. This variant is present in population databases (rs754794763, gnomAD 0.01%). This sequence change creates a premature translational stop signal (p.Gly513Leufs*6) in the RNF168 gene. While this is not anticipated to result in nonsense mediated decay, it is expected to disrupt the last 59 amino acid(s) of the RNF168 protein.